The following is an entry in ClinVar:

NM_002691.4(POLD1):c.1355T>A (p.Val452Glu)

Gene: POLD1 (DNA polymerase delta 1, catalytic subunit; plus strand). Cytogenetic location: 19q13.33.
Variant type: single nucleotide variant.
Coding change: c.1355T>A on transcript NM_002691.4 (MANE Select); coding-DNA position 1355, T replaced by A.
Protein change: p.Val452Glu; replaces valine 452 with glutamic acid.
Molecular consequence: missense variant. On other transcripts: non-coding transcript variant (1).
Genome position (GRCh38, 1-based): chr19:50,406,294, T>A. VCF-style: chr19-50406294-T-A. GRCh37 (hg19) VCF-style: chr19-50909551-T-A.
Other names: c.1355T>A, p.Val452Glu (NM_001256849.1, NM_001308632.1); short protein forms V452E.
Identifiers: ClinVar variation 1364746 (VCV001364746.8), dbSNP rs2038877063, ClinGen allele CA406979939.

ClinVar aggregate classification (germline): Uncertain significance (1 of 4 stars; one submission).

Conditions:
POLD1-related polyposis and colorectal cancer syndrome (CRCS10). Also called: Colorectal cancer, susceptibility to, 10; Colorectal cancer 10; COLORECTAL CANCER, SUSCEPTIBILITY TO, ON CHROMOSOME 19q. Identifiers: Orphanet 220460, MedGen C2675481, MONDO:0012953, OMIM 612591.

Submission:

Labcorp Genetics (formerly Invitae), Labcorp
Classification: Uncertain significance for POLD1-related polyposis and colorectal cancer syndrome. Last evaluated: 2021-06-30. Review status: criteria provided, single submitter. Criteria: Invitae Variant Classification Sherloc (09022015). Collection method: clinical testing. Allele origin: germline.
Comment: Algorithms developed to predict the effect of missense changes on protein structure and function (SIFT, PolyPhen-2, Align-GVGD) all suggest that this variant is likely to be tolerated. This sequence change replaces valine with glutamic acid at codon 452 of the POLD1 protein (p.Val452Glu). The valine residue is weakly conserved and there is a moderate physicochemical difference between valine and glutamic acid. This variant is not present in population databases (ExAC no frequency). This variant has not been reported in the literature in individuals affected with POLD1-related conditions. In summary, the available evidence is currently insufficient to determine the role of this variant in disease. Therefore, it has been classified as a Variant of Uncertain Significance.